The following is an entry in ClinVar:

NM_001943.5(DSG2):c.1194C>T (p.Ser398=)

Gene: DSG2 (desmoglein 2; plus strand). Cytogenetic location: 18q12.1.
Variant type: single nucleotide variant.
Coding change: c.1194C>T on transcript NM_001943.5 (MANE Select); coding-DNA position 1194, C replaced by T.
Protein change: p.Ser398=; no amino-acid change (serine 398 retained).
Molecular consequence: synonymous variant.
Genome position (GRCh38, 1-based): chr18:31,531,166, C>T. VCF-style: chr18-31531166-C-T. GRCh37 (hg19) VCF-style: chr18-29111129-C-T.
Identifiers: ClinVar variation 921622 (VCV000921622.11), dbSNP rs770669833, ClinGen allele CA297737025.
Genomic context (GRCh38, chr18:31,531,166, plus strand): 5'-AGTGAAAAATGTGAAAGAAGGCATTCATTTTAAAAGCAGCGTCATCTCAATTTATGTTAG[C>T]GAGAGCATGGATAGATCAAGCAAAGGCCAAATAATTGGAAATTTTCAAGCTTTTGATGAG-3'
Protein context (NP_001934.2, residues 388-408): FKSSVISIYV[Ser398=]ESMDRSSKGQ

ClinVar aggregate classification (germline): Likely benign. Review status: criteria provided, multiple submitters, no conflicts (2 of 4 stars). 3 submissions from 3 submitters: Likely benign (3). Last evaluated 2025-08-06.

Conditions:
Cardiomyopathy (CMYO). Also called: Cardiomyopathies. Identifiers: Orphanet 167848, MedGen C0878544, MONDO:0004994, HP:0001638. Inheritance: Various modes of inheritance.
Arrhythmogenic right ventricular cardiomyopathy (ARVD). Also called: Arrhythmogenic cardiomyopathy; Cardiomyopathy, ARVC; Arrhythmogenic right ventricular dysplasia; Arrhythmogenic Right Ventricular Cardiomyopathy (ARVC). Identifiers: Orphanet 247, MedGen C0349788, MeSH D019571, MONDO:0016587. Disease mechanism: loss of function. Inheritance: Various modes of inheritance.
Arrhythmogenic right ventricular dysplasia 10. Also called: Arrhythmogenic Right Ventricular Dysplasia/Cardiomyopathy10; ARRHYTHMOGENIC RIGHT VENTRICULAR DYSPLASIA, FAMILIAL, 10; Arrhythmogenic right ventricular dysplasia/cardiomyopathy, type 10. Identifiers: MedGen C1857777, MONDO:0012434, OMIM 610193.

Allele frequency attached by ClinVar (database versions not stated): gnomAD exomes 0.00001; TOPMed 0.00002; gnomAD 0.00003.
gnomAD v4.1: 13 of 1,613,930 alleles (0.00081%); highest among the groups gnomAD compares: Admixed American, 0.0067%; no homozygotes.

Submissions (3):

Labcorp Genetics (formerly Invitae), Labcorp
Classification: Likely benign for Arrhythmogenic right ventricular dysplasia 10. Last evaluated: 2025-08-06. Review status: criteria provided, single submitter. Criteria: Invitae Variant Classification Sherloc (09022015). Collection method: clinical testing. Allele origin: germline.

All of Us Research Program, National Institutes of Health
Classification: Likely benign for Arrhythmogenic right ventricular cardiomyopathy. Last evaluated: 2024-05-30. Review status: criteria provided, single submitter. Criteria: ACMG Guidelines, 2015. Collection method: clinical testing. Allele origin: germline. Inheritance: Autosomal dominant inheritance. Observed: 2 variant alleles, 2 heterozygotes.
Comment: This study involves interpretation of variants in research participants for the purpose of population health screening. Participant phenotype was not available at the time of variant classification. Additional details can be found in publication PMID: 35346344, PMCID: PMC8962531

Color Diagnostics, LLC DBA Color Health
Classification: Likely benign for Cardiomyopathy. Last evaluated: 2018-11-24. Review status: criteria provided, single submitter. Criteria: ACMG Guidelines, 2015. Collection method: clinical testing. Allele origin: germline.